The following is an entry in ClinVar:

ClinVar aggregate classification (germline): Uncertain significance (1 of 4 stars; one submission).

gnomAD v4.1: 2 of 1,614,224 alleles (0.00012%); highest among the groups gnomAD compares: South Asian, 0.0011%; no homozygotes.

Submission:

Labcorp Genetics (formerly Invitae), Labcorp
Classification: Uncertain significance. Last evaluated: 2025-02-25. Review status: criteria provided, single submitter. Criteria: Invitae Variant Classification Sherloc (09022015). Collection method: clinical testing. Allele origin: germline.
Comment: This sequence change replaces isoleucine, which is neutral and non-polar, with valine, which is neutral and non-polar, at codon 401 of the AP3D1 protein (p.Ile401Val). This variant is not present in population databases (gnomAD no frequency). This variant has not been reported in the literature in individuals affected with AP3D1-related conditions. An algorithm developed to predict the effect of missense changes on protein structure and function outputs the following: PolyPhen-2: "Benign". The valine amino acid residue is found in multiple mammalian species, which suggests that this missense change does not adversely affect protein function. In summary, the available evidence is currently insufficient to determine the role of this variant in disease. Therefore, it has been classified as a Variant of Uncertain Significance.

NM_001261826.3(AP3D1):c.1201A>G (p.Ile401Val)

Gene: AP3D1 (adaptor related protein complex 3 subunit delta 1; minus strand). Cytogenetic location: 19p13.3.
Variant type: single nucleotide variant.
Coding change: c.1201A>G on transcript NM_001261826.3 (MANE Select); coding-DNA position 1201, A replaced by G.
Protein change: p.Ile401Val; replaces isoleucine 401 with valine.
Molecular consequence: missense variant.
Genome position (GRCh38, 1-based): chr19:2,121,212, T>C on the plus strand (A>G on the coding strand, the complement: AP3D1 is on the minus strand). VCF-style: chr19-2121212-T-C. GRCh37 (hg19) VCF-style: chr19-2121211-T-C.
Other names: c.1201A>G, p.Ile401Val (NM_001374799.1, NM_003938.8); short protein forms I401V.
Identifiers: ClinVar variation 4765099 (VCV004765099.1).